The following is an entry in ClinVar:

NM_024685.4(BBS10):c.1602T>G (p.Thr534=)

Gene: BBS10 (Bardet-Biedl syndrome 10; minus strand). Cytogenetic location: 12q21.2.
Variant type: single nucleotide variant.
Coding change: c.1602T>G on transcript NM_024685.4 (MANE Select); coding-DNA position 1602, T replaced by G.
Protein change: p.Thr534=; no amino-acid change (threonine 534 retained).
Molecular consequence: synonymous variant.
Genome position (GRCh38, 1-based): chr12:76,346,383, A>C on the plus strand (T>G on the coding strand, the complement: BBS10 is on the minus strand). VCF-style: chr12-76346383-A-C. GRCh37 (hg19) VCF-style: chr12-76740163-A-C.
Other names: c.1602T>G (NM_024685.3).
Identifiers: ClinVar variation 1110275 (VCV001110275.9), dbSNP rs750402316, ClinGen allele CA6694140.

ClinVar aggregate classification (germline): Likely benign. Review status: criteria provided, multiple submitters, no conflicts (2 of 4 stars). 3 submissions from 3 submitters: Likely benign (2). 1 of the submissions does not count toward it. Last evaluated 2026-08-01.

Conditions:
BBS10-related disorder. Also called: BBS10-related condition.
Bardet-Biedl syndrome 10 (BBS10). Identifiers: Orphanet 110, MedGen C1859568, MONDO:0014438, OMIM 615987.
Bardet-Biedl syndrome (BBS). Identifiers: Orphanet 110, MedGen C0752166, MONDO:0015229.

Allele frequency attached by ClinVar (database versions not stated): gnomAD exomes below 0.00001; ExAC 0.00002.
gnomAD v4.1: 6 of 1,614,056 alleles (0.00037%); highest among the groups gnomAD compares: South Asian, 0.0066%; no homozygotes.

Submissions (3):

PreventionGenetics, part of Exact Sciences
Classification: Likely benign for BBS10-related condition. Last evaluated: 2026-08-01. Review status: criteria provided, single submitter. Criteria: ACMG Guidelines, 2015. Collection method: clinical testing. Allele origin: germline.
Comment: This variant is classified as likely benign based on ACMG/AMP sequence variant interpretation guidelines (Richards et al. 2015 PMID: 25741868, with internal and published modifications).

Labcorp Genetics (formerly Invitae), Labcorp
Classification: Likely benign for Bardet-Biedl syndrome. Last evaluated: 2026-01-17. Review status: criteria provided, single submitter. Criteria: Invitae Variant Classification Sherloc (09022015). Collection method: clinical testing. Allele origin: germline.

Natera, Inc.
Classification: Likely benign for Bardet-Biedl syndrome type 10. Last evaluated: 2021-07-01. Review status: no assertion criteria provided. Collection method: clinical testing. Allele origin: germline. Not counted in ClinVar's aggregate classification.